The following is an entry in ClinVar:

ClinVar aggregate classification (germline): Uncertain significance (1 of 4 stars; one submission).

gnomAD v4.1: 1 of 1,613,928 alleles (0.000062%); highest among the groups gnomAD compares: Non-Finnish European, 0.000085%; no homozygotes.

Submission:

Women's Health and Genetics/Laboratory Corporation of America, LabCorp
Classification: Uncertain significance. Last evaluated: 2025-03-31. Review status: criteria provided, single submitter. Criteria: LabCorp Variant Classification Summary - May 2015. Collection method: clinical testing. Allele origin: germline.
Comment: Variant summary: TLN1 c.457C>T (p.Arg153X) results in a premature termination codon, predicted to cause a truncation of the encoded protein or absence of the protein due to nonsense mediated decay, however current evidence is not sufficient to establish loss of function as a mechanism for disease. The variant was absent in 251474 control chromosomes (gnomAD). The available data on variant occurrences in the general population are insufficient to allow any conclusion about variant significance. To our knowledge, no occurrence of c.457C>T in individuals affected with TLN1-Related Disorders and no experimental evidence demonstrating its impact on protein function have been reported. No submitters have cited clinical-significance assessments for this variant to ClinVar. Based on the evidence outlined above, the variant was classified as uncertain significance.

NM_006289.4(TLN1):c.457C>T (p.Arg153Ter)

Gene: TLN1 (talin 1; minus strand). Cytogenetic location: 9p13.3.
Variant type: single nucleotide variant.
Coding change: c.457C>T on transcript NM_006289.4 (MANE Select); coding-DNA position 457, C replaced by T.
Protein change: p.Arg153Ter; replaces arginine 153 with a stop codon.
Molecular consequence: nonsense.
Genome position (GRCh38, 1-based): chr9:35,724,626, G>A on the plus strand (C>T on the coding strand, the complement: TLN1 is on the minus strand). VCF-style: chr9-35724626-G-A. GRCh37 (hg19) VCF-style: chr9-35724623-G-A.
Other names: short protein forms R153*.
Identifiers: ClinVar variation 3895820 (VCV003895820.1).